The following is an entry in ClinVar:

ClinVar aggregate classification (germline): Uncertain significance (1 of 4 stars; one submission).

Conditions:
Maple syrup urine disease, mild variant (MSUDMV). Identifiers: Orphanet 511, MedGen C3554575, MONDO:0014057, OMIM 615135.

Submission:

Labcorp Genetics (formerly Invitae), Labcorp
Classification: Uncertain significance for Maple syrup urine disease, mild variant. Last evaluated: 2024-03-02. Review status: criteria provided, single submitter. Criteria: Invitae Variant Classification Sherloc (09022015). Collection method: clinical testing. Allele origin: germline.
Comment: This sequence change replaces isoleucine, which is neutral and non-polar, with valine, which is neutral and non-polar, at codon 264 of the PPM1K protein (p.Ile264Val). This variant is not present in population databases (gnomAD no frequency). This variant has not been reported in the literature in individuals affected with PPM1K-related conditions. An algorithm developed to predict the effect of missense changes on protein structure and function (PolyPhen-2) suggests that this variant is likely to be tolerated. In summary, the available evidence is currently insufficient to determine the role of this variant in disease. Therefore, it has been classified as a Variant of Uncertain Significance.

NM_152542.5(PPM1K):c.790A>G (p.Ile264Val)

Gene: PPM1K (protein phosphatase, Mg2+/Mn2+ dependent 1K; minus strand). Cytogenetic location: 4q22.1.
Variant type: single nucleotide variant.
Coding change: c.790A>G on transcript NM_152542.5 (MANE Select); coding-DNA position 790, A replaced by G.
Protein change: p.Ile264Val; replaces isoleucine 264 with valine.
Molecular consequence: missense variant.
Genome position (GRCh38, 1-based): chr4:88,268,252, T>C on the plus strand (A>G on the coding strand, the complement: PPM1K is on the minus strand). VCF-style: chr4-88268252-T-C. GRCh37 (hg19) VCF-style: chr4-89189404-T-C.
Other names: short protein forms I264V.
Identifiers: ClinVar variation 3641792 (VCV003641792.2).